The following is an entry in ClinVar:

NM_013322.3(SNX10):c.211G>A (p.Val71Ile)

Gene: SNX10 (sorting nexin 10; plus strand). Cytogenetic location: 7p15.2.
Variant type: single nucleotide variant.
Coding change: c.211G>A on transcript NM_013322.3 (MANE Select); coding-DNA position 211, G replaced by A.
Protein change: p.Val71Ile; replaces valine 71 with isoleucine.
Molecular consequence: missense variant. On other transcripts: intron variant (1).
Genome position (GRCh38, 1-based): chr7:26,364,634, G>A. VCF-style: chr7-26364634-G-A. GRCh37 (hg19) VCF-style: chr7-26404254-G-A.
Other names: c.211G>A, p.Val71Ile (NM_001199835.1, NM_001318199.3); c.202G>A, p.Val68Ile (NM_001199837.3); c.289G>A, p.Val97Ile (NM_001318198.1, NM_001362753.1, NM_001362754.1); c.-41+132G>A (NM_001199838.2); short protein forms V68I, V71I, V97I.
Identifiers: ClinVar variation 2065178 (VCV002065178.4), dbSNP rs772143708, ClinGen allele CA4195196.

ClinVar aggregate classification (germline): Uncertain significance (1 of 4 stars; one submission).

Allele frequency attached by ClinVar (database versions not stated): ExAC 0.00001.
gnomAD v4.1: 7 of 1,607,226 alleles (0.00044%); highest among the groups gnomAD compares: Non-Finnish European, 0.0006%; no homozygotes.

Submission:

Labcorp Genetics (formerly Invitae), Labcorp
Classification: Uncertain significance. Last evaluated: 2022-08-15. Review status: criteria provided, single submitter. Criteria: Invitae Variant Classification Sherloc (09022015). Collection method: clinical testing. Allele origin: germline.
Comment: In summary, the available evidence is currently insufficient to determine the role of this variant in disease. Therefore, it has been classified as a Variant of Uncertain Significance. Algorithms developed to predict the effect of missense changes on protein structure and function output the following: SIFT: "Tolerated"; PolyPhen-2: "Benign"; Align-GVGD: "Class C0". The isoleucine amino acid residue is found in multiple mammalian species, which suggests that this missense change does not adversely affect protein function. This variant has not been reported in the literature in individuals affected with SNX10-related conditions. The frequency data for this variant in the population databases is considered unreliable, as metrics indicate poor data quality at this position in the gnomAD database. This sequence change replaces valine, which is neutral and non-polar, with isoleucine, which is neutral and non-polar, at codon 71 of the SNX10 protein (p.Val71Ile).